The following is an entry in ClinVar:

NM_003737.4(DCHS1):c.4679C>T (p.Pro1560Leu)

Gene: DCHS1 (dachsous cadherin-related 1; minus strand). Cytogenetic location: 11p15.4.
Variant type: single nucleotide variant.
Coding change: c.4679C>T on transcript NM_003737.4 (MANE Select); coding-DNA position 4679, C replaced by T.
Protein change: p.Pro1560Leu; replaces proline 1560 with leucine.
Molecular consequence: missense variant.
Genome position (GRCh38, 1-based): chr11:6,630,115, G>A on the plus strand (C>T on the coding strand, the complement: DCHS1 is on the minus strand). VCF-style: chr11-6630115-G-A. GRCh37 (hg19) VCF-style: chr11-6651346-G-A.
Other names: short protein forms P1560L.
Identifiers: ClinVar variation 2967809 (VCV002967809.3), dbSNP rs998424389, ClinGen allele CA217297819.

ClinVar aggregate classification (germline): Uncertain significance (1 of 4 stars; one submission).

Allele frequency attached by ClinVar (database versions not stated): gnomAD exomes below 0.00001; gnomAD 0.00003; TOPMed 0.00003.
gnomAD v4.1: 6 of 1,604,356 alleles (0.00037%); highest among the groups gnomAD compares: African/African-American, 0.0067%; no homozygotes.

Submission:

Labcorp Genetics (formerly Invitae), Labcorp
Classification: Uncertain significance. Last evaluated: 2023-04-06. Review status: criteria provided, single submitter. Criteria: Invitae Variant Classification Sherloc (09022015). Collection method: clinical testing. Allele origin: germline.
Comment: This sequence change replaces proline, which is neutral and non-polar, with leucine, which is neutral and non-polar, at codon 1560 of the DCHS1 protein (p.Pro1560Leu). This variant is present in population databases (no rsID available, gnomAD 0.009%). This variant has not been reported in the literature in individuals affected with DCHS1-related conditions. Advanced modeling of protein sequence and biophysical properties (such as structural, functional, and spatial information, amino acid conservation, physicochemical variation, residue mobility, and thermodynamic stability) performed at Invitae indicates that this missense variant is not expected to disrupt DCHS1 protein function. In summary, the available evidence is currently insufficient to determine the role of this variant in disease. Therefore, it has been classified as a Variant of Uncertain Significance.